The following is an entry in ClinVar:

ClinVar aggregate classification (germline): Uncertain significance (1 of 4 stars; one submission).

Allele frequency attached by ClinVar (database versions not stated): TOPMed below 0.00001; gnomAD 0.00001.
gnomAD v4.1: 2 of 1,598,404 alleles (0.00013%); highest among the groups gnomAD compares: Non-Finnish European, 0.00017%; no homozygotes.

Submission:

GeneDx
Classification: Uncertain significance. Last evaluated: 2019-08-07. Review status: criteria provided, single submitter. Criteria: GeneDx Variant Classification Process June 2021. Collection method: clinical testing. Allele origin: germline. Affected: yes.
Comment: Has not been previously published as pathogenic or benign to our knowledge; Not observed in large population cohorts (Lek et al., 2016); In silico analysis, which includes protein predictors and evolutionary conservation, supports a deleterious effect

NM_001365276.2(TNXB):c.10564G>A (p.Gly3522Arg)

Gene: TNXB (tenascin XB; minus strand). Cytogenetic location: 6p21.33.
Variant type: single nucleotide variant.
Coding change: c.10564G>A on transcript NM_001365276.2 (MANE Select); coding-DNA position 10564, G replaced by A.
Protein change: p.Gly3522Arg; replaces glycine 3522 with arginine.
Molecular consequence: missense variant.
Genome position (GRCh38, 1-based): chr6:32,046,217, C>T on the plus strand (G>A on the coding strand, the complement: TNXB is on the minus strand). VCF-style: chr6-32046217-C-T. GRCh37 (hg19) VCF-style: chr6-32013994-C-T.
Other names: c.10558G>A, p.Gly3520Arg (NM_019105.8); short protein forms G3520R, G3522R.
Identifiers: ClinVar variation 1307770 (VCV001307770.2), dbSNP rs1251787131, ClinGen allele CA363528062.
Genomic context (GRCh38, chr6:32,046,217, plus strand): 5'-CAGGCACAGCAGCCTCACCTGTCATTCCCAGGGCAGAGACCGGGCCCAGGCGCTTTCCCC[C>T]AAGGAGCCCGTAGAGCAGAAACTTGTATTTCTTGCCAGGCTCCAGGTCCTCTACGGTGAC-3'
Protein context (NP_001352205.1, residues 3512-3532): KYKFLLYGLL[Gly3522Arg]GKRLGPVSAL